The following is an entry in ClinVar:

NM_015102.5(NPHP4):c.3525C>A (p.Ser1175Arg)

Gene: NPHP4 (nephrocystin 4; minus strand). Cytogenetic location: 1p36.31.
Variant type: single nucleotide variant.
Coding change: c.3525C>A on transcript NM_015102.5 (MANE Select); coding-DNA position 3525, C replaced by A.
Protein change: p.Ser1175Arg; replaces serine 1175 with arginine.
Molecular consequence: missense variant. On other transcripts: non-coding transcript variant (1).
Genome position (GRCh38, 1-based): chr1:5,867,063, G>T on the plus strand (C>A on the coding strand, the complement: NPHP4 is on the minus strand). VCF-style: chr1-5867063-G-T. GRCh37 (hg19) VCF-style: chr1-5927123-G-T.
Other names: c.1986C>A, p.Ser662Arg (NM_001291593.2); c.1989C>A, p.Ser663Arg (NM_001291594.2); short protein forms S1175R, S662R, S663R.
Identifiers: ClinVar variation 2077507 (VCV002077507.4), dbSNP rs779230173, ClinGen allele CA338051178.

ClinVar aggregate classification (germline): Uncertain significance (1 of 4 stars; one submission).

Conditions:
Nephronophthisis. Also called: Juvenile Nephronophthisis. Identifiers: Orphanet 655, MedGen C0687120, MONDO:0019005, HP:0000090.

Submission:

Labcorp Genetics (formerly Invitae), Labcorp
Classification: Uncertain significance for Nephronophthisis. Last evaluated: 2022-01-07. Review status: criteria provided, single submitter. Criteria: Invitae Variant Classification Sherloc (09022015). Collection method: clinical testing. Allele origin: germline.
Comment: In summary, the available evidence is currently insufficient to determine the role of this variant in disease. Therefore, it has been classified as a Variant of Uncertain Significance. Algorithms developed to predict the effect of missense changes on protein structure and function are either unavailable or do not agree on the potential impact of this missense change (SIFT: "Deleterious"; PolyPhen-2: "Probably Damaging"; Align-GVGD: "Class C0"). This variant has not been reported in the literature in individuals affected with NPHP4-related conditions. This variant is not present in population databases (gnomAD no frequency). This sequence change replaces serine, which is neutral and polar, with arginine, which is basic and polar, at codon 1175 of the NPHP4 protein (p.Ser1175Arg).